The following is an entry in ClinVar:

NM_000702.4(ATP1A2):c.*1355C>T

Gene: ATP1A2 (ATPase Na+/K+ transporting subunit alpha 2; plus strand). Cytogenetic location: 1q23.2.
Variant type: single nucleotide variant.
Coding change: c.*1355C>T on transcript NM_000702.4 (MANE Select); 1355 bases downstream of the stop codon, C replaced by T.
Molecular consequence: 3 prime UTR variant.
Genome position (GRCh38, 1-based): chr1:160,142,677, C>T. VCF-style: chr1-160142677-C-T. GRCh37 (hg19) VCF-style: chr1-160112467-C-T.
Identifiers: ClinVar variation 293173 (VCV000293173.5), dbSNP rs190096000, ClinGen allele CA10608107.

ClinVar aggregate classification (germline): Benign. Review status: criteria provided, single submitter (1 of 4 stars). 2 submissions from 1 submitter: Benign (2). Last evaluated 2018-01-13.

Conditions:
Migraine, familial hemiplegic, 2. Identifiers: Orphanet 569, MedGen C1865322, MONDO:0011232, OMIM 602481.
Alternating hemiplegia of childhood 1 (AHC1). Identifiers: Orphanet 2131, MedGen C3549447, MONDO:0007087, OMIM 104290.

Allele frequency attached by ClinVar (database versions not stated): 1000 Genomes Project 0.00060; 1000 Genomes Project 30x 0.00062; gnomAD 0.00164 and 0.00166; TOPMed 0.00165.

Submissions (2):

Illumina Laboratory Services, Illumina
Classification: Benign for Migraine, familial hemiplegic, 2. Last evaluated: 2018-01-13. Review status: criteria provided, single submitter. Criteria: ICSL Variant Classification Criteria 13 December 2019. Collection method: clinical testing. Allele origin: germline.
Comment: This variant was observed in the ICSL laboratory as part of a predisposition screen in an ostensibly healthy population. It had not been previously curated by ICSL or reported in the Human Gene Mutation Database (HGMD: prior to June 1st, 2018), and was therefore a candidate for classification through an automated scoring system. Utilizing variant allele frequency, disease prevalence and penetrance estimates, and inheritance mode, an automated score was calculated to assess if this variant is too frequent to cause the disease. Based on the score and internal cut-off values, a variant classified as benign is not then subjected to further curation. The score for this variant resulted in a classification of benign for this disease.

Illumina Laboratory Services, Illumina
Classification: Benign for Alternating hemiplegia of childhood 1. Last evaluated: 2018-01-13. Review status: criteria provided, single submitter. Criteria: ICSL Variant Classification Criteria 13 December 2019. Collection method: clinical testing. Allele origin: germline.
Comment: the same text as in the submission from Illumina Laboratory Services, Illumina above.